The following is an entry in ClinVar:

NM_022817.3(PER2):c.2114C>T (p.Ala705Val)

Gene: PER2 (period circadian regulator 2; minus strand). Cytogenetic location: 2q37.3.
Variant type: single nucleotide variant.
Coding change: c.2114C>T on transcript NM_022817.3 (MANE Select); coding-DNA position 2114, C replaced by T.
Protein change: p.Ala705Val; replaces alanine 705 with valine.
Molecular consequence: missense variant.
Genome position (GRCh38, 1-based): chr2:238,255,863, G>A on the plus strand (C>T on the coding strand, the complement: PER2 is on the minus strand). VCF-style: chr2-238255863-G-A. GRCh37 (hg19) VCF-style: chr2-239164504-G-A.
Other names: short protein forms A705V.
Identifiers: ClinVar variation 1050009 (VCV001050009.2), dbSNP rs563977205, ClinGen allele CA2197167.

ClinVar aggregate classification (germline): Likely benign. Review status: criteria provided, single submitter (1 of 4 stars). 2 submissions from 2 submitters: Likely benign (1). 1 of the submissions does not count toward it. Last evaluated 2024-09-30.

Allele frequency attached by ClinVar (database versions not stated): TOPMed 0.00010; gnomAD 0.00011 and 0.00039; gnomAD exomes 0.00080; ExAC 0.00107; 1000 Genomes Project 30x 0.00156; 1000 Genomes Project 0.00180.
gnomAD v4.1: 673 of 1,614,170 alleles (0.042%); highest among the groups gnomAD compares: South Asian, 0.66%; 10 homozygotes.

Submissions (2):

Blueprint Genetics
Classification: Likely benign. Last evaluated: 2024-09-30. Review status: criteria provided, single submitter. Criteria: ACMG Guidelines, 2015. Collection method: clinical testing. Allele origin: germline.

Department of Pathology and Laboratory Medicine, Sinai Health System
Classification: Likely benign. Review status: no assertion criteria provided. Collection method: clinical testing. Allele origin: unknown. Affected: yes. Study: The Canadian Open Genetics Repository (COGR). Not counted in ClinVar's aggregate classification.
Comment: The PER2 p.A705V variant was not identified in the literature nor was it identified in ClinVar. The variant was identified in dbSNP (ID: rs563977205) and in control databases in 204 of 282852 chromosomes (1 homozygous) at a frequency of 0.0007212, and was observed at the highest frequency in the South Asian population in 196 of 30616 chromosomes (1 homozygous) (freq: 0.006402) (Genome Aggregation Database March 6, 2019, v2.1.1). The p.A705 residue is not conserved in mammals and computational analyses (MUT Assesor, PolyPhen-2, SIFT, MutationTaster, Revel, FATHMM, MetaLR, DANN) do not suggest a high likelihood of impact to the protein; this information is not predictive enough to rule out pathogenicity. The variant occurs outside of the splicing consensus sequence and in silico or computational prediction software programs (Splice AI exome) do not predict a deleterious effect on splicing. In summary, based on the above information the clinical significance of this variant cannot be determined with certainty at this time although we would lean towards a more benign role for this variant. This variant is classified as likely benign.